The following is an entry in ClinVar:

NM_004204.5(PIGQ):c.*104G>A

Gene: PIGQ (phosphatidylinositol glycan anchor biosynthesis class Q; plus strand). Cytogenetic location: 16p13.3.
Variant type: single nucleotide variant.
Coding change: c.*104G>A on transcript NM_004204.5 (MANE Select); 104 bases downstream of the stop codon, G replaced by A.
Molecular consequence: 3 prime UTR variant. On other transcripts: synonymous variant (1).
Genome position (GRCh38, 1-based): chr16:583,139, G>A. VCF-style: chr16-583139-G-A. GRCh37 (hg19) VCF-style: chr16-633139-G-A.
Other names: c.1788G>A, p.Thr596= (NM_148920.4).
Identifiers: ClinVar variation 2645829 (VCV002645829.24), dbSNP rs150021665, ClinGen allele CA7780542.

ClinVar aggregate classification (germline): Likely benign (1 of 4 stars; one submission).

Allele frequency attached by ClinVar (database versions not stated): gnomAD exomes 0.00003; gnomAD 0.00007; TOPMed 0.00007; ExAC 0.00012; ESP Exome Variant Server 0.00015; 1000 Genomes Project 30x 0.00016; 1000 Genomes Project 0.00020.
gnomAD v4.1: 54 of 1,613,276 alleles (0.0033%); highest among the groups gnomAD compares: South Asian, 0.032%; no homozygotes.

Submission:

CeGaT Center for Human Genetics Tuebingen
Classification: Likely benign. Last evaluated: 2022-04-01. Review status: criteria provided, single submitter. Criteria: CeGaT Center For Human Genetics Tuebingen Variant Classification Criteria Version 2. Collection method: clinical testing. Allele origin: germline. Affected: yes. Observed: 1 variant allele.
Comment: PIGQ: BP4, BP7